The following is an entry in ClinVar:

ClinVar aggregate classification (germline): Likely pathogenic (1 of 4 stars; one submission).

Conditions:
Maple syrup urine disease (MSUD). Identifiers: Orphanet 511, MedGen C0024776, MeSH D008375, MONDO:0009563. Disease mechanism: loss of function.

Submission:

Myriad Genetics, Inc.
Classification: Likely pathogenic for Maple syrup urine disease type 1A. Last evaluated: 2022-01-02. Review status: criteria provided, single submitter. Criteria: Myriad Women's Health Autosomal Recessive and X-Linked Classification Criteria (2021). Collection method: clinical testing. Allele origin: unknown.
Comment: NM_001918.3(DBT):c.567_568delTG(S189Rfs*13) is expected to be pathogenic in the context of maple syrup urine disease type II. This variant is predicted to lead to an abnormal or absent protein product due to the creation of a premature termination codon in DBT, a gene where loss-of-function variants are known to be pathogenic. Please note: this variant was assessed in the context of healthy population screening.

NM_001918.5(DBT):c.567_568del (p.Ser189fs)

Gene: DBT (dihydrolipoamide branched chain transacylase E2; minus strand). Cytogenetic location: 1p21.2.
Variant type: Deletion.
Coding change: c.567_568del on transcript NM_001918.5 (MANE Select); coding-DNA positions 567 to 568, 2 bases deleted (TG; older notation c.567_568delTG).
Protein change: p.Ser189fs; shifts the reading frame from serine 189.
Molecular consequence: frameshift variant. On other transcripts: non-coding transcript variant (3).
Genome position (GRCh38, 1-based): chr1:100,216,187-100,216,188, CA deleted on the plus strand (TG on the coding strand, the reverse complement: DBT is on the minus strand); deleting any 2 consecutive bases within chr1:100,216,187-100,216,189 gives the same sequence; the c. name uses the placement nearest the transcript's 3' end. VCF-style (leftmost placement, unchanged base first): chr1-100216186-TCA-T. GRCh37 (hg19) VCF-style: chr1-100681742-TCA-T.
Other names: c.24_25del, p.Ser8fs (NM_001399969.1, NM_001399972.1); short protein forms S189fs, S8fs.
Identifiers: ClinVar variation 1726979 (VCV001726979.2), dbSNP rs2524154961, ClinGen allele CA2580060689.